The following is an entry in ClinVar:

NM_001148.6(ANK2):c.9733C>T (p.Pro3245Ser)

Gene: ANK2 (ankyrin 2; plus strand). Cytogenetic location: 4q26.
Variant type: single nucleotide variant.
Coding change: c.9733C>T on transcript NM_001148.6 (MANE Select); coding-DNA position 9733, C replaced by T.
Protein change: p.Pro3245Ser; replaces proline 3245 with serine.
Molecular consequence: missense variant. On other transcripts: intron variant (68).
Genome position (GRCh38, 1-based): chr4:113,358,351, C>T. VCF-style: chr4-113358351-C-T. GRCh37 (hg19) VCF-style: chr4-114279507-C-T.
Other names: c.9499C>T, p.Pro3167Ser (NM_001386142.1); c.6133C>T, p.Pro2045Ser (NM_001386166.1); c.9874C>T, p.Pro3292Ser (NM_001386174.1); c.9850C>T, p.Pro3284Ser (NM_001386175.1); c.4412-2472C>T (NM_001386186.2, NM_001386148.2); c.4214-2472C>T (NM_001354269.3); c.4292-2472C>T (NM_001386187.2); c.4253-2472C>T (NM_001386147.1); and 35 more; short protein forms P2045S, P3284S, P3292S, P3167S, P3245S.
Identifiers: ClinVar variation 1768027 (VCV001768027.2), dbSNP rs1410754191, ClinGen allele CA357938779.

ClinVar aggregate classification (germline): Uncertain significance (1 of 4 stars; one submission).

Conditions:
Cardiovascular phenotype. Identifiers: MedGen CN230736.

Allele frequency attached by ClinVar (database versions not stated): gnomAD exomes below 0.00001; TOPMed below 0.00001; gnomAD 0.00001.
gnomAD v4.1: 4 of 1,613,884 alleles (0.00025%); highest among the groups gnomAD compares: Non-Finnish European, 0.00025%; no homozygotes.

Submission:

Ambry Genetics
Classification: Uncertain significance for Cardiovascular phenotype. Last evaluated: 2022-10-23. Review status: criteria provided, single submitter. Criteria: Ambry Variant Classification Scheme 2023. Collection method: clinical testing. Allele origin: germline.
Comment: The p.P3245S variant (also known as c.9733C>T), located in coding exon 38 of the ANK2 gene, results from a C to T substitution at nucleotide position 9733. The proline at codon 3245 is replaced by serine, an amino acid with similar properties. This amino acid position is conserved. In addition, this alteration is predicted to be tolerated by in silico analysis. Since supporting evidence is limited at this time, the clinical significance of this alteration remains unclear.